The following is an entry in ClinVar:

ClinVar aggregate classification (germline): Uncertain significance. Review status: criteria provided, single submitter (1 of 4 stars). 2 submissions from 2 submitters: Uncertain significance (1). 1 of the submissions does not count toward it. Last evaluated 2024-11-18.

Conditions:
Usher syndrome type 1F (USH1F). Also called: USHER SYNDROME, TYPE IF. Identifiers: Orphanet 231169, Orphanet 886, MedGen C1865885, MONDO:0011186, OMIM 602083.

gnomAD v4.1: 2 of 1,601,464 alleles (0.00012%); highest among the groups gnomAD compares: Admixed American, 0.0017%; no homozygotes.

Submissions (2):

Labcorp Genetics (formerly Invitae), Labcorp
Classification: Uncertain significance. Last evaluated: 2024-11-18. Review status: criteria provided, single submitter. Criteria: Invitae Variant Classification Sherloc (09022015). Collection method: clinical testing. Allele origin: germline.
Comment: This sequence change replaces arginine, which is basic and polar, with leucine, which is neutral and non-polar, at codon 227 of the PCDH15 protein (p.Arg227Leu). This variant is present in population databases (no rsID available, gnomAD 0.0009%). This variant has not been reported in the literature in individuals affected with PCDH15-related conditions. ClinVar contains an entry for this variant (Variation ID: 1421462). Invitae Evidence Modeling of protein sequence and biophysical properties (such as structural, functional, and spatial information, amino acid conservation, physicochemical variation, residue mobility, and thermodynamic stability) indicates that this missense variant is not expected to disrupt PCDH15 protein function with a negative predictive value of 95%. In summary, the available evidence is currently insufficient to determine the role of this variant in disease. Therefore, it has been classified as a Variant of Uncertain Significance.

Natera, Inc.
Classification: Uncertain significance for Usher syndrome type 1F. Last evaluated: 2025-05-26. Review status: no assertion criteria provided. Collection method: clinical testing. Allele origin: germline. Not counted in ClinVar's aggregate classification.

NM_001384140.1(PCDH15):c.680G>T (p.Arg227Leu)

Gene: PCDH15 (protocadherin related 15; minus strand). Cytogenetic location: 10q21.1.
Variant type: single nucleotide variant.
Coding change: c.680G>T on transcript NM_001384140.1 (MANE Select); coding-DNA position 680, G replaced by T.
Protein change: p.Arg227Leu; replaces arginine 227 with leucine.
Molecular consequence: missense variant. On other transcripts: intron variant (1).
Genome position (GRCh38, 1-based): chr10:54,329,621, C>A on the plus strand (G>T on the coding strand, the complement: PCDH15 is on the minus strand). VCF-style: chr10-54329621-C-A. GRCh37 (hg19) VCF-style: chr10-56089381-C-A.
Other names: c.695G>T, p.Arg232Leu (NM_001142763.2, NM_001142769.4, NM_001142771.2); c.680G>T, p.Arg227Leu (NM_001142764.2, NM_001142765.2, NM_001142766.2 and 7 more transcripts); c.614G>T, p.Arg205Leu (NM_001142768.2, NM_001142773.2, NM_001354404.2); c.595-12180G>T (NM_001142767.2); short protein forms R205L, R227L, R232L.
Identifiers: ClinVar variation 1421462 (VCV001421462.7), dbSNP rs766401854, ClinGen allele CA207582291.